The following is an entry in ClinVar:

ClinVar aggregate classification (germline): Pathogenic (1 of 4 stars; one submission).

Allele frequency attached by ClinVar (database versions not stated): gnomAD exomes below 0.00001.

Submission:

Labcorp Genetics (formerly Invitae), Labcorp
Classification: Pathogenic. Last evaluated: 2023-01-05. Review status: criteria provided, single submitter. Criteria: Invitae Variant Classification Sherloc (09022015). Collection method: clinical testing. Allele origin: germline.
Comment: For these reasons, this variant has been classified as Pathogenic. Algorithms developed to predict the effect of sequence changes on RNA splicing suggest that this variant may create or strengthen a splice site. This variant has not been reported in the literature in individuals affected with PLOD2-related conditions. This variant is not present in population databases (gnomAD no frequency). This sequence change creates a premature translational stop signal (p.Ser299Ilefs*7) in the PLOD2 gene. It is expected to result in an absent or disrupted protein product. Loss-of-function variants in PLOD2 are known to be pathogenic (PMID: 22689593, 25238597, 29178448).

Literature cited by the submitters: PubMed 22689593; PubMed 25238597; PubMed 29178448.

NM_182943.3(PLOD2):c.893dup (p.Ser299fs)

Gene: PLOD2 (procollagen-lysine,2-oxoglutarate 5-dioxygenase 2; minus strand). Cytogenetic location: 3q24.
Variant type: Duplication.
Coding change: c.893dup on transcript NM_182943.3 (MANE Select); coding-DNA position 893, one base duplicated (T; older notation c.893dupT).
Protein change: p.Ser299fs; shifts the reading frame from serine 299.
Molecular consequence: frameshift variant.
Genome position (GRCh38, 1-based): chr3:146,088,698, A duplicated on the plus strand (T on the coding strand, the reverse complement: PLOD2 is on the minus strand). VCF-style (leftmost placement, unchanged base first): chr3-146088697-T-TA. GRCh37 (hg19) VCF-style: chr3-145806484-T-TA.
Other names: c.893dup, p.Ser299fs (NM_000935.3); short protein forms S299fs.
Identifiers: ClinVar variation 2826246 (VCV002826246.3), dbSNP rs2473262415, ClinGen allele CA2668087564.
Genomic context (GRCh38, chr3:146,088,697, plus strand): 5'-CAATATGTCCAGAAACCGAGGTAGAAAAGGGGTTGGTTGCTCAATAAAAACACCTATTGA[T>TA]ACGTTTGGATGGACCTTTGTTTTACACCAAACATAAAAATAAAATTATCATTAGTATGGT-3'